The following is an entry in ClinVar:

NM_003919.3(SGCE):c.1254-3T>C

Genes: CASD1 (CAS1 domain sialic acid O acetyltransferase 1; plus strand), SGCE (sarcoglycan epsilon; minus strand). Cytogenetic location: 7q21.3.
Variant type: single nucleotide variant.
Coding change: c.1254-3T>C on transcript NM_003919.3 (MANE Select); 3 bases into the intron before coding-DNA position 1254, T replaced by C.
Molecular consequence: intron variant.
Genome position (GRCh38, 1-based): chr7:94,588,735, A>G on the plus strand (T>C on the coding strand, the complement: SGCE is on the minus strand). VCF-style: chr7-94588735-A-G. GRCh37 (hg19) VCF-style: chr7-94218047-A-G.
Other names: c.1104-3T>C (NM_001362809.2); c.1131-3T>C (NM_001301139.2); c.1227-3T>C (NM_001346717.2, NM_001099400.2); c.1329-3T>C (NM_001099401.2); c.1335-3T>C (NM_001346715.2); c.1362-3T>C (NM_001346713.2); c.1140-3T>C (NM_001362807.2); c.954-3T>C (NM_001362808.2); and 2 more.
Identifiers: ClinVar variation 4700183 (VCV004700183.1).

ClinVar aggregate classification (germline): Uncertain significance (1 of 4 stars; one submission).

Conditions:
Myoclonic dystonia 11 (DYT11). Also called: Myoclonic dystonia; Dystonia 11; Dystonia, alcohol responsive; Hereditary essential myoclonus; SGCE Myoclonus-Dystonia; Myoclonus-Dystonia. Identifiers: Orphanet 36899, MedGen C1834570, MONDO:0008044, OMIM 159900.

Submission:

Labcorp Genetics (formerly Invitae), Labcorp
Classification: Uncertain significance for Myoclonic dystonia 11. Last evaluated: 2025-10-15. Review status: criteria provided, single submitter. Criteria: Invitae Variant Classification Sherloc (09022015). Collection method: clinical testing. Allele origin: germline.
Comment: This sequence change falls in intron 9 of the SGCE gene. It does not directly change the encoded amino acid sequence of the SGCE protein. It affects a nucleotide within the consensus splice site. This variant is not present in population databases (gnomAD no frequency). This variant has not been reported in the literature in individuals affected with SGCE-related conditions. Variants that disrupt the consensus splice site are a relatively common cause of aberrant splicing (PMID: 17576681, 9536098). Algorithms developed to predict the effect of sequence changes on RNA splicing suggest that this variant is not likely to affect RNA splicing. In summary, the available evidence is currently insufficient to determine the role of this variant in disease. Therefore, it has been classified as a Variant of Uncertain Significance.

Literature cited by the submitters: PubMed 17576681; PubMed 9536098.